The following is an entry in ClinVar:

NM_000535.7(PMS2):c.353+7C>A

Gene: PMS2 (PMS1 homolog 2, mismatch repair system component; minus strand). Cytogenetic location: 7p22.1.
Variant type: single nucleotide variant.
Coding change: c.353+7C>A on transcript NM_000535.7 (MANE Select); 7 bases into the intron after coding-DNA position 353, C replaced by A.
Molecular consequence: intron variant.
Genome position (GRCh38, 1-based): chr7:6,003,683, G>T on the plus strand (C>A on the coding strand, the complement: PMS2 is on the minus strand). VCF-style: chr7-6003683-G-T. GRCh37 (hg19) VCF-style: chr7-6043314-G-T.
Other names: c.35+289C>A (NM_001322008.2, NM_001322007.2); c.-53+7C>A (NM_001322010.2, NM_001322004.2, NM_001322013.2 and 3 more transcripts); c.-132+7C>A (NM_001322015.2); c.-532+7C>A (NM_001322012.2, NM_001322011.2); c.353+7C>A (NM_001322006.2, NM_001322014.2).
Identifiers: ClinVar variation 379156 (VCV000379156.18), dbSNP rs1057520512, ClinGen allele CA16605361.

ClinVar aggregate classification (germline): Likely benign. Review status: criteria provided, multiple submitters, no conflicts (2 of 4 stars). 5 submissions from 5 submitters: Likely benign (5). Last evaluated 2025-06-08.

Conditions:
Hereditary cancer-predisposing syndrome. Also called: Tumor predisposition; Hereditary neoplastic syndrome; Neoplastic Syndromes, Hereditary; Hereditary Cancer Syndrome. Identifiers: Orphanet 140162, MedGen C0027672, MeSH D009386, MONDO:0015356.
Hereditary nonpolyposis colorectal neoplasms. Identifiers: MedGen C0009405, MeSH D003123.
Lynch syndrome 4 (LYNCH4). Also called: Colorectal cancer, hereditary nonpolyposis, type 4; Hereditary non-polyposis colorectal cancer, type 4. Identifiers: Orphanet 144, MedGen C1838333, MONDO:0013699, OMIM 614337. Disease mechanism: loss of function.

Allele frequency attached by ClinVar (database versions not stated): gnomAD 0.00001.

Submissions (5):

Labcorp Genetics (formerly Invitae), Labcorp
Classification: Likely benign for Hereditary nonpolyposis colorectal neoplasms. Last evaluated: 2025-06-08. Review status: criteria provided, single submitter. Criteria: Invitae Variant Classification Sherloc (09022015). Collection method: clinical testing. Allele origin: germline.

Women's Health and Genetics/Laboratory Corporation of America, LabCorp
Classification: Likely benign. Last evaluated: 2025-04-28. Review status: criteria provided, single submitter. Criteria: LabCorp Variant Classification Summary - May 2015. Collection method: clinical testing. Allele origin: germline.

Myriad Genetics, Inc.
Classification: Likely benign for Lynch syndrome 4. Last evaluated: 2025-01-24. Review status: criteria provided, single submitter. Criteria: Myriad Autosomal Dominant, Autosomal Recessive and X-Linked Classification Criteria (2023). Collection method: clinical testing. Allele origin: unknown.
Comment: This variant is considered likely benign. This variant is intronic and is not expected to impact mRNA splicing.

Color Diagnostics, LLC DBA Color Health
Classification: Likely benign for Hereditary cancer-predisposing syndrome. Last evaluated: 2018-09-05. Review status: criteria provided, single submitter. Criteria: ACMG Guidelines, 2015. Collection method: clinical testing. Allele origin: germline.

GeneDx
Classification: Likely benign. Last evaluated: 2016-03-10. Review status: criteria provided, single submitter. Criteria: GeneDx Variant Classification (06012015). Collection method: clinical testing. Allele origin: germline. Affected: yes.
Comment: This variant is considered likely benign or benign based on one or more of the following criteria: it is a conservative change, it occurs at a poorly conserved position in the protein, it is predicted to be benign by multiple in silico algorithms, and/or has population frequency not consistent with disease.